The following is an entry in ClinVar:

NM_000334.4(SCN4A):c.4831C>A (p.Pro1611Thr)

Genes: GH-LCR (growth hormone locus control region; plus strand), SCN4A (sodium voltage-gated channel alpha subunit 4; minus strand). Cytogenetic location: 17q23.3.
Variant type: single nucleotide variant.
Coding change: c.4831C>A on transcript NM_000334.4 (MANE Select); coding-DNA position 4831, C replaced by A.
Protein change: p.Pro1611Thr; replaces proline 1611 with threonine.
Molecular consequence: missense variant.
Genome position (GRCh38, 1-based): chr17:63,941,451, G>T on the plus strand (C>A on the coding strand, the complement: SCN4A is on the minus strand). VCF-style: chr17-63941451-G-T. GRCh37 (hg19) VCF-style: chr17-62018811-G-T.
Other names: short protein forms P1611T.
Identifiers: ClinVar variation 3582641 (VCV003582641.3).

ClinVar aggregate classification (germline): Uncertain significance. Review status: criteria provided, multiple submitters, no conflicts (2 of 4 stars). 2 submissions from 2 submitters: Uncertain significance (2). Last evaluated 2024-10-08.

Conditions:
Congenital myopathy 22A, classic (CMYO22A). Identifiers: MedGen C5830453, MONDO:0957247, OMIM 620351.
Hypokalemic periodic paralysis, type 2 (HOKPP2). Identifiers: Orphanet 681, MedGen C2750061, MONDO:0013234, OMIM 613345.
Hyperkalemic periodic paralysis. Also called: Gamstorp disease; Familial hyperkalemic periodic paralysis. Identifiers: Orphanet 682, MedGen C0238357, MONDO:0008224, OMIM 170500, HP:0007215.
Congenital myopathy 22B, severe fetal (CMYO22B). Identifiers: MedGen C5830501, MONDO:0957265, OMIM 620369.
Congenital myasthenic syndrome 16. Identifiers: Orphanet 590, MedGen C3280112, MONDO:0013620, OMIM 614198.
Potassium-aggravated myotonia. Also called: MYOTONIA CONGENITA, ACETAZOLAMIDE-RESPONSIVE; MYOTONIA CONGENITA, ATYPICAL; SODIUM CHANNEL MUSCLE DISEASE; Myotonia congenita, atypical, acetazolamide-responsive. Identifiers: Orphanet 612, Orphanet 99734, Orphanet 99735, Orphanet 99736, MedGen C2931826, MONDO:0018959, OMIM 608390.
Paramyotonia congenita of Von Eulenburg. Also called: PARALYSIS PERIODICA PARAMYOTONICA; Eulenburg disease; Myotonia congenita intermittens; Von Eulenburg paramyotonia congenita; Paramyotonia Congenita. Identifiers: Orphanet 684, MedGen C0221055, MONDO:0008195, OMIM 168300. Disease mechanism: loss of function.

gnomAD v4.1: 3 of 1,614,142 alleles (0.00019%); highest among the groups gnomAD compares: African/African-American, 0.0013%; no homozygotes.

Submissions (2):

Labcorp Genetics (formerly Invitae), Labcorp
Classification: Uncertain significance for Hyperkalemic periodic paralysis. Last evaluated: 2024-10-08. Review status: criteria provided, single submitter. Criteria: Invitae Variant Classification Sherloc (09022015). Collection method: clinical testing. Allele origin: germline.
Comment: This sequence change replaces proline, which is neutral and non-polar, with threonine, which is neutral and polar, at codon 1611 of the SCN4A protein (p.Pro1611Thr). This variant is present in population databases (rs766802452, gnomAD 0.0009%). This variant has not been reported in the literature in individuals affected with SCN4A-related conditions. Invitae Evidence Modeling of protein sequence and biophysical properties (such as structural, functional, and spatial information, amino acid conservation, physicochemical variation, residue mobility, and thermodynamic stability) has been performed for this missense variant. However, the output from this modeling did not meet the statistical confidence thresholds required to predict the impact of this variant on SCN4A protein function. In summary, the available evidence is currently insufficient to determine the role of this variant in disease. Therefore, it has been classified as a Variant of Uncertain Significance.

Fulgent Genetics
Classification: Uncertain significance for Paramyotonia congenita of Von Eulenburg; Hyperkalemic periodic paralysis; Potassium-aggravated myotonia; Hypokalemic periodic paralysis, type 2; Congenital myasthenic syndrome 16; Congenital myopathy 22A, classic; Congenital myopathy 22B, severe fetal. Last evaluated: 2024-01-02. Review status: criteria provided, single submitter. Criteria: ACMG Guidelines, 2015. Collection method: clinical testing. Allele origin: germline.